The following is an entry in ClinVar:

ClinVar aggregate classification (germline): Likely benign (1 of 4 stars; one submission).

Allele frequency attached by ClinVar (database versions not stated): gnomAD exomes 0.00001; TOPMed 0.00001.
gnomAD v4.1: 3 of 1,569,456 alleles (0.00019%); highest among the groups gnomAD compares: Non-Finnish European, 0.00026%; no homozygotes.

Submission:

CeGaT Center for Human Genetics Tuebingen
Classification: Likely benign. Last evaluated: 2023-05-01. Review status: criteria provided, single submitter. Criteria: CeGaT Center For Human Genetics Tuebingen Variant Classification Criteria Version 2. Collection method: clinical testing. Allele origin: germline. Affected: yes. Observed: 1 variant allele.
Comment: EPCAM: BP1

NM_002354.3(EPCAM):c.16G>A (p.Val6Ile)

Gene: EPCAM (epithelial cell adhesion molecule; plus strand). Cytogenetic location: 2p21.
Variant type: single nucleotide variant.
Coding change: c.16G>A on transcript NM_002354.3 (MANE Select); coding-DNA position 16, G replaced by A.
Protein change: p.Val6Ile; replaces valine 6 with isoleucine.
Molecular consequence: missense variant.
Genome position (GRCh38, 1-based): chr2:47,369,521, G>A. VCF-style: chr2-47369521-G-A. GRCh37 (hg19) VCF-style: chr2-47596660-G-A.
Other names: short protein forms V6I.
Identifiers: ClinVar variation 872259 (VCV000872259.36), dbSNP rs867177667, ClinGen allele CA16602239.
Genomic context (GRCh38, chr2:47,369,521, plus strand): 5'-AGTCCCGGGCCCCTCCCGCGCCCCTCTTCTCGGCGCGCGCGCAGCATGGCGCCCCCGCAG[G>A]TCCTCGCGTTCGGGCTTCTGCTTGCCGCGGCGACGGCGACTTTTGCCGCAGCTCAGGAAG-3'
Protein context (NP_002345.2, residues 1-16): MAPPQ[Val6Ile]LAFGLLLAAA